The following is an entry in ClinVar:

ClinVar aggregate classification (germline): Uncertain significance (1 of 4 stars; one submission).

gnomAD v4.1: 2 of 1,613,214 alleles (0.00012%); highest among the groups gnomAD compares: Admixed American, 0.0033%; no homozygotes.

Submission:

Labcorp Genetics (formerly Invitae), Labcorp
Classification: Uncertain significance. Last evaluated: 2024-06-04. Review status: criteria provided, single submitter. Criteria: Invitae Variant Classification Sherloc (09022015). Collection method: clinical testing. Allele origin: germline.
Comment: This sequence change replaces alanine, which is neutral and non-polar, with glycine, which is neutral and non-polar, at codon 1662 of the DSCAML1 protein (p.Ala1662Gly). This variant is present in population databases (no rsID available, gnomAD 0.006%). This variant has not been reported in the literature in individuals affected with DSCAML1-related conditions. An algorithm developed to predict the effect of missense changes on protein structure and function (PolyPhen-2) suggests that this variant is likely to be tolerated. In summary, the available evidence is currently insufficient to determine the role of this variant in disease. Therefore, it has been classified as a Variant of Uncertain Significance.

NM_020693.4(DSCAML1):c.4805C>G (p.Ala1602Gly)

Gene: DSCAML1 (DS cell adhesion molecule like 1; minus strand). Cytogenetic location: 11q23.3.
Variant type: single nucleotide variant.
Coding change: c.4805C>G on transcript NM_020693.4 (MANE Select); coding-DNA position 4805, C replaced by G.
Protein change: p.Ala1602Gly; replaces alanine 1602 with glycine.
Molecular consequence: missense variant.
Genome position (GRCh38, 1-based): chr11:117,435,715, G>C on the plus strand (C>G on the coding strand, the complement: DSCAML1 is on the minus strand). VCF-style: chr11-117435715-G-C. GRCh37 (hg19) VCF-style: chr11-117306431-G-C.
Other names: short protein forms A1602G.
Identifiers: ClinVar variation 3677768 (VCV003677768.2).